The following is an entry in ClinVar:

ClinVar aggregate classification (germline): Conflicting classifications of pathogenicity. Review status: criteria provided, conflicting classifications (1 of 4 stars). 3 submissions from 3 submitters: Uncertain significance (2); Likely benign (1). Last evaluated 2025-08-29.

Conditions:
Inborn genetic diseases. Identifiers: MedGen C0950123, MeSH D030342.
Hereditary spastic paraplegia 30. Identifiers: Orphanet 101010, MedGen C5235139, MONDO:0012476.
Neuropathy, hereditary sensory, type 2C. Also called: Hereditary sensory and autonomic neuropathy type IIC; KIF1A-Related HSAN2 (HSAN2C). Identifiers: Orphanet 970, MedGen C3280168, MONDO:0013634, OMIM 614213.
Intellectual disability, autosomal dominant 9 (NESCAVS). Also called: KIF1A-Related Neurodevelopmental Disorder; NESCAV SYNDROME. Identifiers: Orphanet 662367, MedGen C5393830, MONDO:0013656, OMIM 614255.

Allele frequency attached by ClinVar (database versions not stated): gnomAD 0.00001; ExAC 0.00002; gnomAD exomes 0.00002; TOPMed 0.00002.
gnomAD v4.1: 37 of 1,612,808 alleles (0.0023%); highest among the groups gnomAD compares: Non-Finnish European, 0.0027%; no homozygotes.

Submissions (3):

Labcorp Genetics (formerly Invitae), Labcorp
Classification: Likely benign for Hereditary spastic paraplegia 30; Neuropathy, hereditary sensory, type 2C; Intellectual disability, autosomal dominant 9. Last evaluated: 2025-08-29. Review status: criteria provided, single submitter. Criteria: Invitae Variant Classification Sherloc (09022015). Collection method: clinical testing. Allele origin: germline.

Ambry Genetics
Classification: Uncertain significance for Inborn genetic diseases. Last evaluated: 2019-10-18. Review status: criteria provided, single submitter. Criteria: Ambry Variant Classification Scheme 2023. Collection method: clinical testing. Allele origin: germline.
Comment: The p.G846R variant (also known as c.2536G>A), located in coding exon 25 of the KIF1A gene, results from a G to A substitution at nucleotide position 2536. The glycine at codon 846 is replaced by arginine, an amino acid with dissimilar properties. This amino acid position is highly conserved in available vertebrate species. In addition, the in silico prediction for this alteration is inconclusive. Since supporting evidence is limited at this time, the clinical significance of this alteration remains unclear.

GeneDx
Classification: Uncertain significance. Last evaluated: 2016-12-23. Review status: criteria provided, single submitter. Criteria: GeneDx Variant Classification (06012015). Collection method: clinical testing. Allele origin: germline. Affected: yes.
Comment: A variant of uncertain significance has been identified in the KIF1A gene. The G837R variant has not been published as a pathogenic variant, nor has it been reported as a benign variant to our knowledge. The G837R variant is not observed at a significant frequency in large population cohorts (Lek et al., 2016; 1000 Genomes Consortium et al., 2015; Exome Variant Server). The G837R variant is a non-conservative amino acid substitution, which is likely to impact secondary protein structure as these residues differ in polarity, charge, size and/or other properties. Additionally, this substitution occurs at a position that is conserved across species, and in silico analysis predicts this variant is probably damaging to the protein structure/function. However, this amino acid substitution does not occur within the predicted motor domain of the protein, where all pathogenic missense KIF1A pathogenic variants have been identified to-date (Lee et al., 2014). Therefore, based on the currently available information, it is unclear whether this variant is a pathogenic variant or a rare benign variant.

NM_001244008.2(KIF1A):c.2536G>A (p.Gly846Arg)

Gene: KIF1A (kinesin family member 1A; minus strand). Cytogenetic location: 2q37.3.
Variant type: single nucleotide variant.
Coding change: c.2536G>A on transcript NM_001244008.2 (MANE Select); coding-DNA position 2536, G replaced by A.
Protein change: p.Gly846Arg; replaces glycine 846 with arginine.
Molecular consequence: missense variant.
Genome position (GRCh38, 1-based): chr2:240,758,406, C>T on the plus strand (G>A on the coding strand, the complement: KIF1A is on the minus strand). VCF-style: chr2-240758406-C-T. GRCh37 (hg19) VCF-style: chr2-241697823-C-T.
Other names: c.2536G>A, p.Gly846Arg (NM_001320705.2, NM_001330289.2, NM_001379638.1); c.2611G>A, p.Gly871Arg (NM_001330290.2, NM_001379631.1, NM_001379634.1 and 2 more transcripts); c.2509G>A, p.Gly837Arg (NM_001379632.1, NM_001379633.1, NM_001379636.1 and 10 more transcripts); c.2584G>A, p.Gly862Arg (NM_001379637.1, NM_001379648.1); short protein forms G837R, G846R, G871R, G862R.
Identifiers: ClinVar variation 418276 (VCV000418276.17), dbSNP rs768702963, ClinGen allele CA2208072.